The following is an entry in ClinVar:

ClinVar aggregate classification (germline): Pathogenic (1 of 4 stars; one submission).

Conditions:
Autosomal recessive hypohidrotic ectodermal dysplasia syndrome. Also called: Autosomal recessive hypohidrotic ectodermal dysplasia. Identifiers: Orphanet 248, MedGen C0406702, MONDO:0016619.
Ectodermal dysplasia 10A, hypohidrotic/hair/nail type, autosomal dominant (ECTD10A). Also called: Ectodermal Dysplasia 3, Anhidrotic. Identifiers: Orphanet 1810, Orphanet 238468, MedGen C3888065, MONDO:0007509, OMIM 129490.

Submission:

Labcorp Genetics (formerly Invitae), Labcorp
Classification: Pathogenic for Ectodermal dysplasia 10A, hypohidrotic/hair/nail type, autosomal dominant; Autosomal recessive hypohidrotic ectodermal dysplasia syndrome. Last evaluated: 2021-11-08. Review status: criteria provided, single submitter. Criteria: Invitae Variant Classification Sherloc (09022015). Collection method: clinical testing. Allele origin: germline.
Comment: This sequence change replaces glycine, which is neutral and non-polar, with alanine, which is neutral and non-polar, at codon 405 of the EDAR protein (p.Gly405Ala). This variant is not present in population databases (gnomAD no frequency). This missense change has been observed in individual(s) with clinical features of ectodermal dysplasia (Invitae). ClinVar contains an entry for this variant (Variation ID: 853527). Advanced modeling of protein sequence and biophysical properties (such as structural, functional, and spatial information, amino acid conservation, physicochemical variation, residue mobility, and thermodynamic stability) performed at Invitae indicates that this missense variant is expected to disrupt EDAR protein function. This variant disrupts the p.Gly405 amino acid residue in EDAR. Other variant(s) that disrupt this residue have been determined to be pathogenic (Invitae). This suggests that this residue is clinically significant, and that variants that disrupt this residue are likely to be disease-causing. For these reasons, this variant has been classified as Pathogenic.

NM_022336.4(EDAR):c.1214G>C (p.Gly405Ala)

Genes: EDAR (ectodysplasin A receptor; minus strand), RANBP2 (RAN binding protein 2; plus strand). Cytogenetic location: 2q13.
Variant type: single nucleotide variant.
Coding change: c.1214G>C on transcript NM_022336.4 (MANE Select); coding-DNA position 1214, G replaced by C.
Protein change: p.Gly405Ala; replaces glycine 405 with alanine.
Molecular consequence: missense variant.
Genome position (GRCh38, 1-based): chr2:108,897,040, C>G on the plus strand (G>C on the coding strand, the complement: EDAR is on the minus strand). VCF-style: chr2-108897040-C-G. GRCh37 (hg19) VCF-style: chr2-109513496-C-G.
Other names: short protein forms G405A.
Identifiers: ClinVar variation 853527 (VCV000853527.7), dbSNP rs1696610594, ClinGen allele CA348047951.